The following is an entry in ClinVar:

NM_001278716.2(FBXL4):c.1232G>C (p.Cys411Ser)

Gene: FBXL4 (F-box and leucine rich repeat protein 4; minus strand). Cytogenetic location: 6q16.1.
Variant type: single nucleotide variant.
Coding change: c.1232G>C on transcript NM_001278716.2 (MANE Select); coding-DNA position 1232, G replaced by C.
Protein change: p.Cys411Ser; replaces cysteine 411 with serine.
Molecular consequence: missense variant. On other transcripts: non-coding transcript variant (2).
Genome position (GRCh38, 1-based): chr6:98,899,353, C>G on the plus strand (G>C on the coding strand, the complement: FBXL4 is on the minus strand). VCF-style: chr6-98899353-C-G. GRCh37 (hg19) VCF-style: chr6-99347229-C-G.
Other names: c.1232G>C, p.Cys411Ser (NM_012160.5); short protein forms C411S.
Identifiers: ClinVar variation 4806271 (VCV004806271.1).

ClinVar aggregate classification (germline): Likely pathogenic (1 of 4 stars; one submission).

gnomAD v4.1: 1 of 1,613,818 alleles (0.000062%); highest among the groups gnomAD compares: Non-Finnish European, 0.000085%; no homozygotes.

Submission:

Labcorp Genetics (formerly Invitae), Labcorp
Classification: Likely pathogenic. Last evaluated: 2025-10-24. Review status: criteria provided, single submitter. Criteria: Invitae Variant Classification Sherloc (09022015). Collection method: clinical testing. Allele origin: germline.
Comment: This sequence change replaces cysteine, which is neutral and slightly polar, with serine, which is neutral and polar, at codon 411 of the FBXL4 protein (p.Cys411Ser). This variant is present in population databases (no rsID available, gnomAD 0.01%). This variant has not been reported in the literature in individuals affected with FBXL4-related conditions. Invitae Evidence Modeling of protein sequence and biophysical properties (such as structural, functional, and spatial information, amino acid conservation, physicochemical variation, residue mobility, and thermodynamic stability) indicates that this missense variant is expected to disrupt FBXL4 protein function with a positive predictive value of 95%. This variant disrupts the p.Cys411 amino acid residue in FBXL4. Other variant(s) that disrupt this residue have been determined to be pathogenic (PMID: 25868664, 27743463; internal data). This suggests that this residue is clinically significant, and that variants that disrupt this residue are likely to be disease-causing. In summary, the currently available evidence indicates that the variant is pathogenic, but additional data are needed to prove that conclusively. Therefore, this variant has been classified as Likely Pathogenic.

Literature cited by the submitters: PubMed 25868664; PubMed 27743463.